The following is an entry in ClinVar:

ClinVar aggregate classification (germline): Uncertain significance (1 of 4 stars; one submission).

Conditions:
SHOX-related short stature. Also called: SHORT STATURE, IDIOPATHIC, X-LINKED. Identifiers: Orphanet 314795, MedGen C1845118, MONDO:0010367, OMIM 300582. Disease mechanism: loss of function.

Submission:

MVZ Medizinische Genetik Mainz
Classification: Uncertain significance for SHOX-related short stature. Last evaluated: 2024-12-12. Review status: criteria provided, single submitter. Criteria: UK Practice Guidelines For Variant Classification V4 01 2020. Collection method: clinical testing. Allele origin: germline. Inheritance: X-linked dominant inheritance. Affected: yes. Observed: 1 variant allele.
Comment: ACMG Criteria: PM1,PM2_SUP

NM_000451.4(SHOX):c.446A>G (p.Glu149Gly)

Genes: SHOX (SHOX homeobox; plus strand), LOC107652445 (meiotic recombination hotspot SHOX; plus strand). Cytogenetic location: Xp22.33.
Variant type: single nucleotide variant.
Coding change: c.446A>G on transcript NM_000451.4 (MANE Select); coding-DNA position 446, A replaced by G.
Protein change: p.Glu149Gly; replaces glutamic acid 149 with glycine.
Molecular consequence: missense variant.
Genome position (GRCh38, 1-based): chrX:634,786, A>G. VCF-style: chrX-634786-A-G. GRCh37 (hg19) VCF-style: chrX-595521-A-G.
Other names: c.446A>G, p.Glu149Gly (NM_006883.2); short protein forms E149G.
Identifiers: ClinVar variation 4526497 (VCV004526497.1).